The following is an entry in ClinVar:

ClinVar aggregate classification (germline): Pathogenic. Review status: criteria provided, multiple submitters, no conflicts (2 of 4 stars). 3 submissions from 3 submitters: Pathogenic (3). Last evaluated 2024-10-22.

Conditions:
Familial cancer of breast. Also called: BREAST CANCER, FAMILIAL; hereditary breast carcinoma; Hereditary breast cancer. Identifiers: Orphanet 227535, MedGen C0346153, MONDO:0016419, OMIM 114480. Disease mechanism: loss of function.
Ataxia-telangiectasia syndrome (AT). Also called: Ataxia-telangiectasia, complementation group E; Ataxia telangiectasia (A-T); LOUIS-BAR SYNDROME; Ataxia-telangiectasia, complementation group D; AT, COMPLEMENTATION GROUP C; Ataxia-telangiectasia. Identifiers: Orphanet 100, MedGen C0004135, MONDO:0008840, OMIM 208900.
Hereditary cancer-predisposing syndrome. Also called: Neoplastic Syndromes, Hereditary; Hereditary neoplastic syndrome; Tumor predisposition; Hereditary Cancer Syndrome. Identifiers: Orphanet 140162, MedGen C0027672, MeSH D009386, MONDO:0015356.

Submissions (3):

Labcorp Genetics (formerly Invitae), Labcorp
Classification: Pathogenic for Ataxia-telangiectasia syndrome. Last evaluated: 2024-10-22. Review status: criteria provided, single submitter. Criteria: Invitae Variant Classification Sherloc (09022015). Collection method: clinical testing. Allele origin: germline.
Comment: This sequence change creates a premature translational stop signal (p.Leu1775*) in the ATM gene. It is expected to result in an absent or disrupted protein product. Loss-of-function variants in ATM are known to be pathogenic (PMID: 23807571, 25614872). This variant is not present in population databases (gnomAD no frequency). This premature translational stop signal has been observed in individual(s) with ataxia-telangiectasia (PMID: 10817650). ClinVar contains an entry for this variant (Variation ID: 836878). Algorithms developed to predict the effect of sequence changes on RNA splicing suggest that this variant may disrupt the consensus splice site. For these reasons, this variant has been classified as Pathogenic.

Myriad Genetics, Inc.
Classification: Pathogenic for Familial cancer of breast. Last evaluated: 2024-09-18. Review status: criteria provided, single submitter. Criteria: Myriad Autosomal Dominant, Autosomal Recessive and X-Linked Classification Criteria (2023). Collection method: clinical testing. Allele origin: unknown.
Comment: This variant is considered pathogenic. This variant creates a termination codon and is predicted to result in premature protein truncation.

Ambry Genetics
Classification: Pathogenic for Hereditary cancer-predisposing syndrome. Last evaluated: 2023-11-17. Review status: criteria provided, single submitter. Criteria: Ambry Variant Classification Scheme 2023. Collection method: clinical testing. Allele origin: germline.
Comment: The c.5324delT pathogenic mutation, located in coding exon 35 of the ATM gene, results from a deletion of one nucleotide at nucleotide position 5324, causing a translational frameshift with a predicted alternate stop codon (p.L1775*). This variant has been observed in individual(s) with ataxia-telangiectasia (Li A et al. Am J Med Genet, 2000 May;92:170-7). This variant is considered to be rare based on population cohorts in the Genome Aggregation Database (gnomAD). This alteration is expected to result in loss of function by premature protein truncation or nonsense-mediated mRNA decay. As such, this alteration is interpreted as a disease-causing mutation.

Literature cited by the submitters: PubMed 23807571 (cited by Labcorp Genetics (formerly Invitae), Labcorp); PubMed 25614872 (cited by Labcorp Genetics (formerly Invitae), Labcorp); PubMed 10817650 (cited by Labcorp Genetics (formerly Invitae), Labcorp and Ambry Genetics).

NM_000051.4(ATM):c.5324del (p.Phe1774_Leu1775insTer)

Gene: ATM (ATM serine/threonine kinase; plus strand). Cytogenetic location: 11q22.3.
Variant type: Deletion.
Coding change: c.5324del on transcript NM_000051.4 (MANE Select); coding-DNA position 5324, one base deleted (T; older notation c.5324delT).
Protein change: p.Phe1774_Leu1775insTer.
Molecular consequence: nonsense.
Genome position (GRCh38, 1-based): chr11:108,302,857, T deleted; the last of 5 consecutive T bases (chr11:108,302,853-108,302,857); deleting any one gives the same sequence. VCF-style (leftmost placement, unchanged base first): chr11-108302852-GT-G. GRCh37 (hg19) VCF-style: chr11-108173579-GT-G.
Other names: c.5324delT (NM_000051.3); c.5324del, p.Phe1774_Leu1775insTer (NM_001351834.2).
Identifiers: ClinVar variation 836878 (VCV000836878.11), dbSNP rs2083496327, ClinGen allele CA916080498.